The following is an entry in ClinVar:

NM_022552.5(DNMT3A):c.1817A>G (p.Gln606Arg)

Gene: DNMT3A (DNA methyltransferase 3 alpha; minus strand). Cytogenetic location: 2p23.3.
Variant type: single nucleotide variant.
Coding change: c.1817A>G on transcript NM_022552.5 (MANE Select); coding-DNA position 1817, A replaced by G.
Protein change: p.Gln606Arg; replaces glutamine 606 with arginine.
Molecular consequence: missense variant. On other transcripts: non-coding transcript variant (1).
Genome position (GRCh38, 1-based): chr2:25,244,189, T>C on the plus strand (A>G on the coding strand, the complement: DNMT3A is on the minus strand). VCF-style: chr2-25244189-T-C. GRCh37 (hg19) VCF-style: chr2-25467058-T-C.
Other names: c.1361A>G, p.Gln454Arg (NM_001320893.1); c.1148A>G, p.Gln383Arg (NM_001375819.1); c.1250A>G, p.Gln417Arg (NM_153759.3); c.1817A>G, p.Gln606Arg (NM_175629.2); short protein forms Q454R, Q606R, Q383R, Q417R.
Identifiers: ClinVar variation 1998131 (VCV001998131.4), dbSNP rs2465468526, ClinGen allele CA346071727.

ClinVar aggregate classification (germline): Uncertain significance (1 of 4 stars; one submission).

Conditions:
Tatton-Brown-Rahman overgrowth syndrome. Also called: Tatton-Brown-Rahman syndrome; Tall stature-intellectual disability-facial dysmorphism syndrome. Identifiers: Orphanet 404443, MedGen C4014545, MONDO:0014382, OMIM 615879.

Submission:

Labcorp Genetics (formerly Invitae), Labcorp
Classification: Uncertain significance for Tatton-Brown-Rahman overgrowth syndrome. Last evaluated: 2022-05-23. Review status: criteria provided, single submitter. Criteria: Invitae Variant Classification Sherloc (09022015). Collection method: clinical testing. Allele origin: germline.
Comment: In summary, the available evidence is currently insufficient to determine the role of this variant in disease. Therefore, it has been classified as a Variant of Uncertain Significance. Algorithms developed to predict the effect of missense changes on protein structure and function are either unavailable or do not agree on the potential impact of this missense change (SIFT: "Deleterious"; PolyPhen-2: "Probably Damaging"; Align-GVGD: "Class C0"). This variant has not been reported in the literature in individuals affected with DNMT3A-related conditions. This variant is not present in population databases (gnomAD no frequency). This sequence change replaces glutamine, which is neutral and polar, with arginine, which is basic and polar, at codon 606 of the DNMT3A protein (p.Gln606Arg).